The following is an entry in ClinVar:

ClinVar aggregate classification (germline): Likely pathogenic (1 of 4 stars; one submission).

Conditions:
Leigh syndrome (NULS). Also called: Leigh Syndrome (mtDNA deletion); Leigh's syndrome; LEIGH SYNDROME, NUCLEAR; Leigh's necrotizing encephalopathy; Leigh's disease; Leigh Disease. Identifiers: Orphanet 506, MedGen C2931891, MONDO:0009723, OMIM 256000.

Submission:

Labcorp Genetics (formerly Invitae), Labcorp
Classification: Likely pathogenic for Leigh syndrome. Last evaluated: 2026-01-26. Review status: criteria provided, single submitter. Criteria: Invitae Variant Classification Sherloc (09022015). Collection method: clinical testing. Allele origin: germline.
Comment: This sequence change replaces valine, which is neutral and non-polar, with alanine, which is neutral and non-polar, at codon 177 of the SURF1 protein (p.Val177Ala). This variant is not present in population databases (gnomAD no frequency). This variant has not been reported in the literature in individuals affected with SURF1-related conditions. Invitae Evidence Modeling of protein sequence and biophysical properties (such as structural, functional, and spatial information, amino acid conservation, physicochemical variation, residue mobility, and thermodynamic stability) indicates that this missense variant is expected to disrupt SURF1 protein function with a positive predictive value of 95%. This variant disrupts the p.Val177 amino acid residue in SURF1. Other variant(s) that disrupt this residue have been determined to be pathogenic (PMID: 16765830, 22488715, 33771987). This suggests that this residue is clinically significant, and that variants that disrupt this residue are likely to be disease-causing. In summary, the currently available evidence indicates that the variant is pathogenic, but additional data are needed to prove that conclusively. Therefore, this variant has been classified as Likely Pathogenic.

Literature cited by the submitters: PubMed 16765830; PubMed 22488715; PubMed 33771987.

NM_003172.4(SURF1):c.530T>C (p.Val177Ala)

Gene: SURF1 (SURF1 cytochrome c oxidase assembly factor; minus strand). Cytogenetic location: 9q34.2.
Variant type: single nucleotide variant.
Coding change: c.530T>C on transcript NM_003172.4 (MANE Select); coding-DNA position 530, T replaced by C.
Protein change: p.Val177Ala; replaces valine 177 with alanine.
Molecular consequence: missense variant.
Genome position (GRCh38, 1-based): chr9:133,352,752, A>G on the plus strand (T>C on the coding strand, the complement: SURF1 is on the minus strand). VCF-style: chr9-133352752-A-G. GRCh37 (hg19) VCF-style: chr9-136219607-A-G.
Other names: c.203T>C, p.Val68Ala (NM_001280787.1); short protein forms V177A, V68A.
Identifiers: ClinVar variation 4709789 (VCV004709789.1).
Genomic context (GRCh38, chr9:133,352,752, plus strand): 5'-ACCTGGCCTTTCTGCCGGGTTTCAGGATTCACTTTCTTCCTGGGAACGAACCCTCTATTT[A>G]CCAGGATGGTGACTCTAGGGTAATGAAAGTGCTACTTCAGGTGGGGAGGGTTTTTGACTA-3'
Protein context (NP_003163.1, residues 167-187): HCTDLGVTIL[Val177Ala]NRGFVPRKKV